The following is an entry in ClinVar:

NM_006946.4(SPTBN2):c.348G>A (p.Leu116=)

Gene: SPTBN2 (spectrin beta, non-erythrocytic 2; minus strand). Cytogenetic location: 11q13.2.
Variant type: single nucleotide variant.
Coding change: c.348G>A on transcript NM_006946.4 (MANE Select); coding-DNA position 348, G replaced by A.
Protein change: p.Leu116=; no amino-acid change (leucine 116 retained).
Molecular consequence: synonymous variant.
Genome position (GRCh38, 1-based): chr11:66,715,357, C>T on the plus strand (G>A on the coding strand, the complement: SPTBN2 is on the minus strand). VCF-style: chr11-66715357-C-T. GRCh37 (hg19) VCF-style: chr11-66482828-C-T.
Other names: c.369G>A, p.Leu123= (NM_001411025.1); c.348G>A, p.Leu116= (NM_001437541.1).
Identifiers: ClinVar variation 4534728 (VCV004534728.6).
Genomic context (GRCh38, chr11:66,715,357, plus strand): 5'-CATGTTTTCCAAGTGCACTTTCTGCTCCTTGAGGAACTGCAGTGCCTTGTCCACGTTCTC[C>T]AGGCAGTGGATCCGCATGCGGCCCTTTGTAGGCTTTGGCTGTGGAGGGACGGGGGCAAAA-3'
Protein context (NP_008877.2, residues 106-126): PTKGRMRIHC[Leu116=]ENVDKALQFL

ClinVar aggregate classification (germline): Likely benign (1 of 4 stars; one submission).

gnomAD v4.1: 40 of 1,614,014 alleles (0.0025%); highest among the groups gnomAD compares: East Asian, 0.087%; no homozygotes.

Submission:

CeGaT Center for Human Genetics Tuebingen
Classification: Likely benign. Last evaluated: 2025-11-01. Review status: criteria provided, single submitter. Criteria: CeGaT Center For Human Genetics Tuebingen Variant Classification Criteria Version 2. Collection method: clinical testing. Allele origin: germline. Affected: yes. Observed: 1 variant allele.
Comment: SPTBN2: BP4, BP7